The following is an entry in ClinVar:

NM_004168.4(SDHA):c.1197G>A (p.Pro399=)

Gene: SDHA (succinate dehydrogenase complex flavoprotein subunit A; plus strand). Cytogenetic location: 5p15.33.
Variant type: single nucleotide variant.
Coding change: c.1197G>A on transcript NM_004168.4 (MANE Select); coding-DNA position 1197, G replaced by A.
Protein change: p.Pro399=; no amino-acid change (proline 399 retained).
Molecular consequence: synonymous variant.
Genome position (GRCh38, 1-based): chr5:235,276, G>A. VCF-style: chr5-235276-G-A. GRCh37 (hg19) VCF-style: chr5-235391-G-A.
Other names: c.1053G>A, p.Pro351= (NM_001294332.2); c.1197G>A, p.Pro399= (NM_001330758.2).
Identifiers: ClinVar variation 417232 (VCV000417232.15), dbSNP rs771919335, ClinGen allele CA3173136.

ClinVar aggregate classification (germline): Benign/Likely benign. Review status: criteria provided, multiple submitters, no conflicts (2 of 4 stars). 3 submissions from 3 submitters: Benign (1); Likely benign (2). Last evaluated 2025-03-10.

Conditions:
Mitochondrial complex II deficiency, nuclear type 1. Also called: SUCCINATE CoQ REDUCTASE DEFICIENCY. Identifiers: Orphanet 3208, MedGen C5700310, MONDO:0100294, OMIM 252011.
Pheochromocytoma/paraganglioma syndrome 5. Also called: SDHA-Related Hereditary Paraganglioma-Pheochromocytoma Syndrome; Paragangliomas 5. Identifiers: Orphanet 29072, MedGen C3279992, MONDO:0013602, OMIM 614165.
Hereditary cancer-predisposing syndrome. Also called: Neoplastic Syndromes, Hereditary; Hereditary Cancer Syndrome; Tumor predisposition; Hereditary neoplastic syndrome. Identifiers: Orphanet 140162, MedGen C0027672, MeSH D009386, MONDO:0015356.

Allele frequency attached by ClinVar (database versions not stated): TOPMed below 0.00001; gnomAD 0.00001.
gnomAD v4.1: 19 of 1,613,906 alleles (0.0012%); highest among the groups gnomAD compares: Admixed American, 0.0017%; no homozygotes.

Submissions (3):

Myriad Genetics, Inc.
Classification: Benign for Pheochromocytoma/paraganglioma syndrome 5. Last evaluated: 2025-03-10. Review status: criteria provided, single submitter. Criteria: Myriad Autosomal Dominant, Autosomal Recessive and X-Linked Classification Criteria (2023). Collection method: clinical testing. Allele origin: unknown.
Comment: This variant is considered benign. This variant is a silent/synonymous amino acid change and it is not expected to impact splicing.

Labcorp Genetics (formerly Invitae), Labcorp
Classification: Likely benign for Pheochromocytoma/paraganglioma syndrome 5; Mitochondrial complex II deficiency, nuclear type 1. Last evaluated: 2025-01-06. Review status: criteria provided, single submitter. Criteria: Invitae Variant Classification Sherloc (09022015). Collection method: clinical testing. Allele origin: germline.

Ambry Genetics
Classification: Likely benign for Hereditary cancer-predisposing syndrome. Last evaluated: 2015-03-06. Review status: criteria provided, single submitter. Criteria: Ambry Variant Classification Scheme 2023. Collection method: clinical testing. Allele origin: germline.